The following is an entry in ClinVar:

ClinVar aggregate classification (germline): Uncertain significance (1 of 4 stars; one submission).

Conditions:
Inborn genetic diseases. Identifiers: MedGen C0950123, MeSH D030342.

Submission:

Ambry Genetics
Classification: Uncertain significance for Inborn genetic diseases. Last evaluated: 2025-02-11. Review status: criteria provided, single submitter. Criteria: Ambry Variant Classification Scheme 2023. Collection method: clinical testing. Allele origin: germline.
Comment: The p.K508T variant (also known as c.1523A>C), located in coding exon 6 of the MBD4 gene, results from an A to C substitution at nucleotide position 1523. The lysine at codon 508 is replaced by threonine, an amino acid with similar properties. This amino acid position is conserved. In addition, this alteration is predicted to be deleterious by in silico analysis. Based on the available evidence, the clinical significance of this variant remains unclear.

NM_001276270.2(MBD4):c.1523A>C (p.Lys508Thr)

Gene: MBD4 (methyl-CpG binding domain 4, DNA glycosylase; minus strand). Cytogenetic location: 3q21.3.
Variant type: single nucleotide variant.
Coding change: c.1523A>C on transcript NM_001276270.2 (MANE Select); coding-DNA position 1523, A replaced by C.
Protein change: p.Lys508Thr; replaces lysine 508 with threonine.
Molecular consequence: missense variant.
Genome position (GRCh38, 1-based): chr3:129,433,118, T>G on the plus strand (A>C on the coding strand, the complement: MBD4 is on the minus strand). VCF-style: chr3-129433118-T-G. GRCh37 (hg19) VCF-style: chr3-129151961-T-G.
Other names: c.1541A>C, p.Lys514Thr (NM_001276271.2, NM_001276272.2, NM_003925.3); c.587A>C, p.Lys196Thr (NM_001276273.2); short protein forms K514T, K196T, K508T.
Identifiers: ClinVar variation 3870930 (VCV003870930.1).